The following is an entry in ClinVar:

NM_001267550.2(TTN):c.96310+4A>G

Genes: TTN (titin; minus strand), TTN-AS1 (TTN antisense RNA 1; plus strand), LOC126806421 (CDK7 strongly-dependent group 2 enhancer GRCh37_chr2:179407630-179408829; plus strand). Cytogenetic location: 2q31.2.
Variant type: single nucleotide variant.
Coding change: c.96310+4A>G on transcript NM_001267550.2 (MANE Select); 4 bases into the intron after coding-DNA position 96310, A replaced by G.
Molecular consequence: intron variant.
Genome position (GRCh38, 1-based): chr2:178,543,830, T>C on the plus strand (A>G on the coding strand, the complement: TTN is on the minus strand). VCF-style: chr2-178543830-T-C. GRCh37 (hg19) VCF-style: chr2-179408557-T-C.
Other names: c.69115+4A>G (NM_003319.4); c.69691+4A>G (NM_133437.4); c.69490+4A>G (NM_133432.3); c.88606+4A>G (NM_133378.4); c.91387+4A>G (NM_001256850.1).
Identifiers: ClinVar variation 4793645 (VCV004793645.1).

ClinVar aggregate classification (germline): Uncertain significance (1 of 4 stars; one submission).

Conditions:
Autosomal recessive limb-girdle muscular dystrophy type 2J (LGMDR10). Also called: MUSCULAR DYSTROPHY, LIMB-GIRDLE, AUTOSOMAL RECESSIVE 10; Limb-girdle muscular dystrophy, type 2J. Identifiers: Orphanet 140922, MedGen C1837342, MONDO:0012127, OMIM 608807.
Dilated cardiomyopathy 1G (CMD1G). Identifiers: Orphanet 154, MedGen C1858763, MONDO:0011400, OMIM 604145.

gnomAD v4.1: 1 of 1,612,986 alleles (0.000062%); highest among the groups gnomAD compares: African/African-American, 0.0013%; no homozygotes.

Submission:

Labcorp Genetics (formerly Invitae), Labcorp
Classification: Uncertain significance for Dilated cardiomyopathy 1G; Autosomal recessive limb-girdle muscular dystrophy type 2J. Last evaluated: 2026-01-27. Review status: criteria provided, single submitter. Criteria: Invitae Variant Classification Sherloc (09022015). Collection method: clinical testing. Allele origin: germline.
Comment: This sequence change falls in intron 346 of the TTN gene. It does not directly change the encoded amino acid sequence of the TTN protein. It affects a nucleotide within the consensus splice site. This variant is not present in population databases (gnomAD no frequency). This variant has not been reported in the literature in individuals affected with TTN-related conditions. Variants that disrupt the consensus splice site are a relatively common cause of aberrant splicing (PMID: 17576681, 9536098). Algorithms developed to predict the effect of sequence changes on RNA splicing suggest that this variant is not likely to affect RNA splicing. This variant is located in the A band of TTN (PMID: 25589632). Variants in this region may be relevant for cardiac or neuromuscular disorders (PMID: 25589632, 23975875). In summary, the available evidence is currently insufficient to determine the role of this variant in disease. Therefore, it has been classified as a Variant of Uncertain Significance.

Literature cited by the submitters: PubMed 17576681; PubMed 9536098; PubMed 25589632; PubMed 23975875.